The following is an entry in ClinVar:

NM_001267550.2(TTN):c.39043G>A (p.Val13015Met)

Gene: TTN (titin; minus strand). Cytogenetic location: 2q31.2.
Variant type: single nucleotide variant.
Coding change: c.39043G>A on transcript NM_001267550.2 (MANE Select); coding-DNA position 39043, G replaced by A.
Protein change: p.Val13015Met; replaces valine 13015 with methionine.
Molecular consequence: missense variant. On other transcripts: intron variant (5).
Genome position (GRCh38, 1-based): chr2:178,652,653, C>T on the plus strand (G>A on the coding strand, the complement: TTN is on the minus strand). VCF-style: chr2-178652653-C-T. GRCh37 (hg19) VCF-style: chr2-179517380-C-T.
Other names: c.13283-10336G>A (NM_003319.4); c.13859-10336G>A (NM_133437.4); c.13658-10336G>A (NM_133432.3); c.31742-112G>A (NM_133378.4); c.34523-112G>A (NM_001256850.1); short protein forms V13015M.
Identifiers: ClinVar variation 4978531 (VCV004978531.1).

ClinVar aggregate classification (germline): Uncertain significance (1 of 4 stars; one submission).

Conditions:
TTN-related disorder. Also called: TTN-related condition; TTN-related disease; TTN-related disorders.

Submission:

PreventionGenetics, part of Exact Sciences
Classification: Uncertain significance for TTN-related condition. Last evaluated: 2026-08-27. Review status: criteria provided, single submitter. Criteria: ACMG Guidelines, 2015. Collection method: clinical testing. Allele origin: germline.
Comment: The TTN c.39043G>A variant is predicted to result in the amino acid substitution p.Val13015Met. To our knowledge, this variant has not been reported in the literature. This variant is reported in 0.013% of alleles in individuals of African descent in gnomAD. At this time, the clinical significance of this variant is uncertain due to the absence of conclusive functional and genetic evidence.